The following is an entry in ClinVar:

NM_002473.6(MYH9):c.309G>A (p.Glu103=)

Gene: MYH9 (myosin heavy chain 9; minus strand). Cytogenetic location: 22q12.3.
Variant type: single nucleotide variant.
Coding change: c.309G>A on transcript NM_002473.6 (MANE Select); coding-DNA position 309, G replaced by A.
Protein change: p.Glu103=; no amino-acid change (glutamic acid 103 retained).
Molecular consequence: synonymous variant.
Genome position (GRCh38, 1-based): chr22:36,348,928, C>T on the plus strand (G>A on the coding strand, the complement: MYH9 is on the minus strand). VCF-style: chr22-36348928-C-T. GRCh37 (hg19) VCF-style: chr22-36744973-C-T.
Identifiers: ClinVar variation 5040175 (VCV005040175.1).

ClinVar aggregate classification (germline): Likely benign (1 of 4 stars; one submission).

Submission:

CeGaT Center for Human Genetics Tuebingen
Classification: Likely benign. Last evaluated: 2026-07-01. Review status: criteria provided, single submitter. Criteria: CeGaT Center For Human Genetics Tuebingen Variant Classification Criteria Version 2. Collection method: clinical testing. Allele origin: germline. Affected: yes. Observed: 1 variant allele.
Comment: MYH9: BP4, BP7